The following is an entry in ClinVar:

NM_016653.3(MAP3K20):c.1393G>A (p.Gly465Arg)

Genes: MAP3K20 (mitogen-activated protein kinase kinase kinase 20; plus strand), MAP3K20-AS1 (MAP3K20 antisense RNA 1; minus strand). Cytogenetic location: 2q31.1.
Variant type: single nucleotide variant.
Coding change: c.1393G>A on transcript NM_016653.3 (MANE Select); coding-DNA position 1393, G replaced by A.
Protein change: p.Gly465Arg; replaces glycine 465 with arginine.
Molecular consequence: missense variant.
Genome position (GRCh38, 1-based): chr2:173,258,732, G>A. VCF-style: chr2-173258732-G-A. GRCh37 (hg19) VCF-style: chr2-174123460-G-A.
Other names: short protein forms G465R.
Identifiers: ClinVar variation 1382964 (VCV001382964.3), dbSNP rs750610480, ClinGen allele CA1970845.
Genomic context (GRCh38, chr2:173,258,732, plus strand): 5'-ATTCTGTAATTTTGTTTTTAATTCCAGGATTGTAAGTGGAAAATGTATATGGAGATGGAT[G>A]GGGATGAAATTGCAATAACCTACATAAAAGATGTGACATTCAACACTAACCTACCTGATG-3'
Protein context (NP_057737.2, residues 455-475): CKWKMYMEMD[Gly465Arg]DEIAITYIKD

ClinVar aggregate classification (germline): Uncertain significance (1 of 4 stars; one submission).

Allele frequency attached by ClinVar (database versions not stated): gnomAD 0.00003; TOPMed 0.00003; gnomAD exomes 0.00004 and 0.00012; ExAC 0.00020.
gnomAD v4.1: 58 of 1,611,170 alleles (0.0036%); highest among the groups gnomAD compares: Non-Finnish European, 0.0046%; no homozygotes.

Submission:

Labcorp Genetics (formerly Invitae), Labcorp
Classification: Uncertain significance. Last evaluated: 2021-05-31. Review status: criteria provided, single submitter. Criteria: Invitae Variant Classification Sherloc (09022015). Collection method: clinical testing. Allele origin: germline.
Comment: This sequence change replaces glycine with arginine at codon 465 of the MAP3K20 protein (p.Gly465Arg). The glycine residue is highly conserved and there is a moderate physicochemical difference between glycine and arginine. This variant is present in population databases (rs750610480, ExAC 0.03%). This variant has not been reported in the literature in individuals with MAP3K20-related conditions. Experimental studies and prediction algorithms are not available or were not evaluated, and the functional significance of this variant is currently unknown. In summary, the available evidence is currently insufficient to determine the role of this variant in disease. Therefore, it has been classified as a Variant of Uncertain Significance.